The following is an entry in ClinVar:

NM_001042424.3(NSD2):c.489C>G (p.Asn163Lys)

Gene: NSD2 (nuclear receptor binding SET domain protein 2; plus strand). Cytogenetic location: 4p16.3.
Variant type: single nucleotide variant.
Coding change: c.489C>G on transcript NM_001042424.3 (MANE Select); coding-DNA position 489, C replaced by G.
Protein change: p.Asn163Lys; replaces asparagine 163 with lysine.
Molecular consequence: missense variant.
Genome position (GRCh38, 1-based): chr4:1,901,143, C>G. VCF-style: chr4-1901143-C-G. GRCh37 (hg19) VCF-style: chr4-1902870-C-G.
Other names: c.489C>G, p.Asn163Lys (NM_007331.2, NM_133330.3, NM_133331.3 and 2 more transcripts); short protein forms N163K.
Identifiers: ClinVar variation 1914692 (VCV001914692.5), dbSNP rs780286540, ClinGen allele CA2811884.

ClinVar aggregate classification (germline): Uncertain significance (1 of 4 stars; one submission).

Allele frequency attached by ClinVar (database versions not stated): gnomAD exomes below 0.00001; ExAC 0.00001; gnomAD 0.00001; TOPMed 0.00001.
gnomAD v4.1: 11 of 1,614,006 alleles (0.00068%); highest among the groups gnomAD compares: Middle Eastern, 0.016%; no homozygotes.

Submission:

Labcorp Genetics (formerly Invitae), Labcorp
Classification: Uncertain significance. Last evaluated: 2022-08-10. Review status: criteria provided, single submitter. Criteria: Invitae Variant Classification Sherloc (09022015). Collection method: clinical testing. Allele origin: germline.
Comment: This sequence change replaces asparagine, which is neutral and polar, with lysine, which is basic and polar, at codon 163 of the WHSC1 protein (p.Asn163Lys). This variant is present in population databases (rs780286540, gnomAD 0.003%). This variant has not been reported in the literature in individuals affected with WHSC1-related conditions. Algorithms developed to predict the effect of missense changes on protein structure and function (SIFT, PolyPhen-2, Align-GVGD) all suggest that this variant is likely to be tolerated. In summary, the available evidence is currently insufficient to determine the role of this variant in disease. Therefore, it has been classified as a Variant of Uncertain Significance.